The following is an entry in ClinVar:

ClinVar aggregate classification (germline): Likely benign. Review status: criteria provided, single submitter (1 of 4 stars). 2 submissions from 2 submitters: Likely benign (1). 1 of the submissions does not count toward it. Last evaluated 2022-06-01.

Conditions:
MUC16-related disorder. Also called: MUC16-related condition.

Allele frequency attached by ClinVar (database versions not stated): 1000 Genomes Project 30x 0.00187; 1000 Genomes Project 0.00220; TOPMed 0.00388; ExAC 0.00395; gnomAD 0.00413; ESP Exome Variant Server 0.00555; gnomAD exomes 0.00723.

Submissions (2):

CeGaT Center for Human Genetics Tuebingen
Classification: Likely benign. Last evaluated: 2022-06-01. Review status: criteria provided, single submitter. Criteria: CeGaT Center For Human Genetics Tuebingen Variant Classification Criteria Version 2. Collection method: clinical testing. Allele origin: germline. Affected: yes. Observed: 2 variant alleles.
Comment: MUC16: BP4, BP7

PreventionGenetics, part of Exact Sciences
Classification: Likely benign for MUC16-related condition. Last evaluated: 2019-03-20. Review status: no assertion criteria provided. Collection method: clinical testing. Allele origin: germline. Not counted in ClinVar's aggregate classification.
Comment: This variant is classified as likely benign based on ACMG/AMP sequence variant interpretation guidelines (Richards et al. 2015 PMID: 25741868, with internal and published modifications).

NM_001401501.2(MUC16):c.34866A>G (p.Ala11622=)

Gene: MUC16 (mucin 16, cell surface associated; minus strand). Cytogenetic location: 19p13.2.
Variant type: single nucleotide variant.
Coding change: c.34866A>G on transcript NM_001401501.2 (MANE Select); coding-DNA position 34866, A replaced by G.
Protein change: p.Ala11622=; no amino-acid change (alanine 11622 retained).
Molecular consequence: synonymous variant.
Genome position (GRCh38, 1-based): chr19:8,936,209, T>C on the plus strand (A>G on the coding strand, the complement: MUC16 is on the minus strand). VCF-style: chr19-8936209-T-C. GRCh37 (hg19) VCF-style: chr19-9046885-T-C.
Other names: c.35292A>G, p.Ala11764= (NM_001414686.1); c.34746A>G, p.Ala11582= (NM_001414687.1, NM_024690.2).
Identifiers: ClinVar variation 2649231 (VCV002649231.25), dbSNP rs62118304, ClinGen allele CA9166150.